The following is an entry in ClinVar:

NM_001385012.1(NBEA):c.598A>G (p.Ser200Gly)

Gene: NBEA (neurobeachin; plus strand). Cytogenetic location: 13q13.3.
Variant type: single nucleotide variant.
Coding change: c.598A>G on transcript NM_001385012.1 (MANE Select); coding-DNA position 598, A replaced by G.
Protein change: p.Ser200Gly; replaces serine 200 with glycine.
Molecular consequence: missense variant.
Genome position (GRCh38, 1-based): chr13:35,045,018, A>G. VCF-style: chr13-35045018-A-G. GRCh37 (hg19) VCF-style: chr13-35619155-A-G.
Other names: c.598A>G, p.Ser200Gly (NM_001379245.1, NM_015678.5); short protein forms S200G.
Identifiers: ClinVar variation 3896180 (VCV003896180.2).

ClinVar aggregate classification (germline): Uncertain significance (1 of 4 stars; one submission).

Submission:

Women's Health and Genetics/Laboratory Corporation of America, LabCorp
Classification: Uncertain significance. Last evaluated: 2025-04-18. Review status: criteria provided, single submitter. Criteria: LabCorp Variant Classification Summary - May 2015. Collection method: clinical testing. Allele origin: germline.
Comment: Variant summary: NBEA c.598A>G (p.Ser200Gly) results in a non-conservative amino acid change located in the Neurobeachin alpha solenoid region (IPR046852) of the encoded protein sequence. Three of five in-silico tools predict a benign effect of the variant on protein function. The variant was absent in 244602 control chromosomes. The available data on variant occurrences in the general population are insufficient to allow any conclusion about variant significance. To our knowledge, no occurrence of c.598A>G in individuals affected with Neurodevelopmental Disorder With Or Without Early-Onset Generalized Epilepsy and no experimental evidence demonstrating its impact on protein function have been reported. No submitters have cited clinical-significance assessments for this variant to ClinVar. Based on the evidence outlined above, the variant was classified as uncertain significance.